The following is an entry in ClinVar:

NM_001376.5(DYNC1H1):c.4941C>T (p.Val1647=)

Gene: DYNC1H1 (dynein cytoplasmic 1 heavy chain 1; plus strand). Cytogenetic location: 14q32.31.
Variant type: single nucleotide variant.
Coding change: c.4941C>T on transcript NM_001376.5 (MANE Select); coding-DNA position 4941, C replaced by T.
Protein change: p.Val1647=; no amino-acid change (valine 1647 retained).
Molecular consequence: synonymous variant.
Genome position (GRCh38, 1-based): chr14:102,004,575, C>T. VCF-style: chr14-102004575-C-T. GRCh37 (hg19) VCF-style: chr14-102470912-C-T.
Identifiers: ClinVar variation 385847 (VCV000385847.8), dbSNP rs748301926, ClinGen allele CA7352329.

ClinVar aggregate classification (germline): Likely benign. Review status: criteria provided, multiple submitters, no conflicts (2 of 4 stars). 2 submissions from 2 submitters: Likely benign (2). Last evaluated 2025-07-27.

Conditions:
Charcot-Marie-Tooth disease axonal type 2O. Also called: CHARCOT-MARIE-TOOTH NEUROPATHY, AXONAL, TYPE 2O; CHARCOT-MARIE-TOOTH DISEASE, AXONAL, AUTOSOMAL DOMINANT, TYPE 2O; Charcot-Marie-Tooth disease, axonal, type 20; Charcot-Marie-Tooth Neuropathy Type 2O. Identifiers: Orphanet 284232, MedGen C3280220, MONDO:0013644, OMIM 614228.

Allele frequency attached by ClinVar (database versions not stated): gnomAD exomes below 0.00001 and 0.00001; TOPMed below 0.00001; ExAC 0.00002.
gnomAD v4.1: 19 of 1,614,000 alleles (0.0012%); highest among the groups gnomAD compares: East Asian, 0.02%; no homozygotes.

Submissions (2):

Labcorp Genetics (formerly Invitae), Labcorp
Classification: Likely benign for Charcot-Marie-Tooth disease axonal type 2O. Last evaluated: 2025-07-27. Review status: criteria provided, single submitter. Criteria: Invitae Variant Classification Sherloc (09022015). Collection method: clinical testing. Allele origin: germline.

GeneDx
Classification: Likely benign. Last evaluated: 2016-05-11. Review status: criteria provided, single submitter. Criteria: GeneDx Variant Classification (06012015). Collection method: clinical testing. Allele origin: germline. Affected: yes.
Comment: This variant is considered likely benign or benign based on one or more of the following criteria: it is a conservative change, it occurs at a poorly conserved position in the protein, it is predicted to be benign by multiple in silico algorithms, and/or has population frequency not consistent with disease.